The following is an entry in ClinVar:

ClinVar aggregate classification (germline): Uncertain significance (1 of 4 stars; one submission).

Submission:

GeneDx
Classification: Uncertain significance. Last evaluated: 2025-07-22. Review status: criteria provided, single submitter. Criteria: GeneDx Variant Classification Process June 2021. Collection method: clinical testing. Allele origin: germline. Affected: yes.
Comment: Not observed at significant frequency in large population cohorts (gnomAD); In silico analysis suggests that this missense variant does not alter protein structure/function; Has not been previously published as pathogenic or benign to our knowledge

NM_003640.5(ELP1):c.1640T>C (p.Val547Ala)

Gene: ELP1 (elongator acetyltransferase complex subunit 1; minus strand). Cytogenetic location: 9q31.3.
Variant type: single nucleotide variant.
Coding change: c.1640T>C on transcript NM_003640.5 (MANE Select); coding-DNA position 1640, T replaced by C.
Protein change: p.Val547Ala; replaces valine 547 with alanine.
Molecular consequence: missense variant.
Genome position (GRCh38, 1-based): chr9:108,906,306, A>G on the plus strand (T>C on the coding strand, the complement: ELP1 is on the minus strand). VCF-style: chr9-108906306-A-G. GRCh37 (hg19) VCF-style: chr9-111668586-A-G.
Other names: c.1298T>C, p.Val433Ala (NM_001318360.2); c.593T>C, p.Val198Ala (NM_001330749.2); short protein forms V198A, V433A, V547A.
Identifiers: ClinVar variation 4686971 (VCV004686971.1).